The following is an entry in ClinVar:

NM_000245.4(MET):c.3216G>T (p.Gly1072=)

Gene: MET (MET proto-oncogene, receptor tyrosine kinase; plus strand). Cytogenetic location: 7q31.2.
Variant type: single nucleotide variant.
Coding change: c.3216G>T on transcript NM_000245.4 (MANE Select); coding-DNA position 3216, G replaced by T.
Protein change: p.Gly1072=; no amino-acid change (glycine 1072 retained).
Molecular consequence: synonymous variant.
Genome position (GRCh38, 1-based): chr7:116,775,068, G>T. VCF-style: chr7-116775068-G-T. GRCh37 (hg19) VCF-style: chr7-116415122-G-T.
Other names: c.3270G>T, p.Gly1090= (NM_001127500.3); c.1926G>T, p.Gly642= (NM_001324402.2).
Identifiers: ClinVar variation 1597280 (VCV001597280.11), dbSNP rs2117031874, ClinGen allele CA457218460.

ClinVar aggregate classification (germline): Benign/Likely benign. Review status: criteria provided, multiple submitters, no conflicts (2 of 4 stars). 3 submissions from 3 submitters: Benign (1); Likely benign (2). Last evaluated 2025-06-22.

Conditions:
Renal cell carcinoma. Identifiers: Orphanet 217071, MedGen C0007134, MeSH D002292, MONDO:0005086, HP:0005584.
Hereditary cancer-predisposing syndrome. Also called: Hereditary neoplastic syndrome; Hereditary Cancer Syndrome; Neoplastic Syndromes, Hereditary; Tumor predisposition. Identifiers: Orphanet 140162, MedGen C0027672, MeSH D009386, MONDO:0015356.
Papillary renal cell carcinoma type 1 (RCCP1). Also called: RENAL CELL CARCINOMA, PAPILLARY, 1, SOMATIC; Renal adenocarcinoma; Renal cell carcinoma 1; Renal cell carcinoma, somatic. Identifiers: Orphanet 47044, MedGen C1336839, OMIM 605074, HP:0011797.

Submissions (3):

Labcorp Genetics (formerly Invitae), Labcorp
Classification: Likely benign for Renal cell carcinoma. Last evaluated: 2025-06-22. Review status: criteria provided, single submitter. Criteria: Invitae Variant Classification Sherloc (09022015). Collection method: clinical testing. Allele origin: germline.

Myriad Genetics, Inc.
Classification: Benign for Papillary renal cell carcinoma type 1. Last evaluated: 2024-11-13. Review status: criteria provided, single submitter. Criteria: Myriad Autosomal Dominant, Autosomal Recessive and X-Linked Classification Criteria (2023). Collection method: clinical testing. Allele origin: unknown.
Comment: This variant is considered benign. This variant is a silent/synonymous amino acid change and it is not expected to impact splicing.

Ambry Genetics
Classification: Likely benign for Hereditary cancer-predisposing syndrome. Last evaluated: 2019-05-22. Review status: criteria provided, single submitter. Criteria: Ambry Variant Classification Scheme 2023. Collection method: clinical testing. Allele origin: germline.